The following is an entry in ClinVar:

NM_001244008.2(KIF1A):c.3889G>A (p.Glu1297Lys)

Genes: KIF1A (kinesin family member 1A; minus strand), LOC126806583 (P300/CBP strongly-dependent group 1 enhancer GRCh37_chr2:241678910-241680109; plus strand). Cytogenetic location: 2q37.3.
Variant type: single nucleotide variant.
Coding change: c.3889G>A on transcript NM_001244008.2 (MANE Select); coding-DNA position 3889, G replaced by A.
Protein change: p.Glu1297Lys; replaces glutamic acid 1297 with lysine.
Molecular consequence: missense variant.
Genome position (GRCh38, 1-based): chr2:240,740,070, C>T on the plus strand (G>A on the coding strand, the complement: KIF1A is on the minus strand). VCF-style: chr2-240740070-C-T. GRCh37 (hg19) VCF-style: chr2-241679487-C-T.
Other names: c.3613G>A, p.Glu1205Lys (NM_001320705.2, NM_001330289.2, NM_001379638.1); c.3688G>A, p.Glu1230Lys (NM_001330290.2, NM_001379634.1, NM_001379635.1 and 1 more transcripts); c.3964G>A, p.Glu1322Lys (NM_001379631.1); c.3838G>A, p.Glu1280Lys (NM_001379632.1); c.3862G>A, p.Glu1288Lys (NM_001379633.1, NM_001379642.1, NM_001379645.1); c.3586G>A, p.Glu1196Lys (NM_001379636.1, NM_001379639.1, NM_001379641.1 and 6 more transcripts); c.3661G>A, p.Glu1221Lys (NM_001379637.1, NM_001379648.1); c.3583G>A, p.Glu1195Lys (NM_001379640.1); and 1 more; short protein forms E1221K, E1297K, E1322K, E1196K, E1230K, E1280K, E1195K, E1205K.
Identifiers: ClinVar variation 2947163 (VCV002947163.4), dbSNP rs1264871534, ClinGen allele CA351314176.
Genomic context (GRCh38, chr2:240,740,070, plus strand): 5'-CCACCAGCTCAGCCCCACCCACCAAGGCAGCCCCCACACCGCACTCACCCACGACCAGCT[C>T]GCGCACTTCCTTCCAGCGGATATGGCTGCCTGTCTCATGCAGTAGTGTCACCGTAATCCG-3'
Protein context (NP_001230937.1, residues 1287-1307): GSHIRWKEVR[Glu1297Lys]LVVGRIRNTP

ClinVar aggregate classification (germline): Uncertain significance. Review status: criteria provided, multiple submitters, no conflicts (2 of 4 stars). 2 submissions from 2 submitters: Uncertain significance (2). Last evaluated 2024-07-31.

Conditions:
Neuropathy, hereditary sensory, type 2C. Also called: KIF1A-Related HSAN2 (HSAN2C); Hereditary sensory and autonomic neuropathy type IIC. Identifiers: Orphanet 970, MedGen C3280168, MONDO:0013634, OMIM 614213.
Hereditary spastic paraplegia 30. Identifiers: Orphanet 101010, MedGen C5235139, MONDO:0012476.
Intellectual disability, autosomal dominant 9 (NESCAVS). Also called: NESCAV SYNDROME; KIF1A-Related Neurodevelopmental Disorder. Identifiers: Orphanet 662367, MedGen C5393830, MONDO:0013656, OMIM 614255.

Allele frequency attached by ClinVar (database versions not stated): gnomAD exomes below 0.00001; gnomAD 0.00001.
gnomAD v4.1: 4 of 1,585,334 alleles (0.00025%); highest among the groups gnomAD compares: Non-Finnish European, 0.00034%; no homozygotes.

Submissions (2):

GeneDx
Classification: Uncertain significance. Last evaluated: 2024-07-31. Review status: criteria provided, single submitter. Criteria: GeneDx Variant Classification Process June 2021. Collection method: clinical testing. Allele origin: germline. Affected: yes.
Comment: Not observed at significant frequency in large population cohorts (gnomAD); In silico analysis supports that this missense variant has a deleterious effect on protein structure/function; Has not been previously published as pathogenic or benign to our knowledge

Labcorp Genetics (formerly Invitae), Labcorp
Classification: Uncertain significance for Hereditary spastic paraplegia 30; Neuropathy, hereditary sensory, type 2C; Intellectual disability, autosomal dominant 9. Last evaluated: 2023-11-27. Review status: criteria provided, single submitter. Criteria: Invitae Variant Classification Sherloc (09022015). Collection method: clinical testing. Allele origin: germline.
Comment: This sequence change replaces glutamic acid, which is acidic and polar, with lysine, which is basic and polar, at codon 1196 of the KIF1A protein (p.Glu1196Lys). This variant is not present in population databases (gnomAD no frequency). This variant has not been reported in the literature in individuals affected with KIF1A-related conditions. Advanced modeling of protein sequence and biophysical properties (such as structural, functional, and spatial information, amino acid conservation, physicochemical variation, residue mobility, and thermodynamic stability) performed at Invitae indicates that this missense variant is not expected to disrupt KIF1A protein function with a negative predictive value of 95%. In summary, the available evidence is currently insufficient to determine the role of this variant in disease. Therefore, it has been classified as a Variant of Uncertain Significance.